The following is an entry in ClinVar:

NM_000264.5(PTCH1):c.2701C>A (p.Gln901Lys)

Gene: PTCH1 (patched 1; minus strand). Cytogenetic location: 9q22.32.
Variant type: single nucleotide variant.
Coding change: c.2701C>A on transcript NM_000264.5 (MANE Select); coding-DNA position 2701, C replaced by A.
Protein change: p.Gln901Lys; replaces glutamine 901 with lysine.
Molecular consequence: missense variant. On other transcripts: non-coding transcript variant (1).
Genome position (GRCh38, 1-based): chr9:95,461,858, G>T on the plus strand (C>A on the coding strand, the complement: PTCH1 is on the minus strand). VCF-style: chr9-95461858-G-T. GRCh37 (hg19) VCF-style: chr9-98224140-G-T.
Other names: c.2503C>A, p.Gln835Lys (NM_001083602.3); c.2698C>A, p.Gln900Lys (NM_001083603.3); c.2248C>A, p.Gln750Lys (NM_001083604.3, NM_001083605.3, NM_001083606.3 and 1 more transcripts); c.2545C>A, p.Gln849Lys (NM_001354918.2); short protein forms Q750K, Q900K, Q901K, Q835K, Q849K.
Identifiers: ClinVar variation 2819089 (VCV002819089.3), dbSNP rs1064796618, ClinGen allele CA374113281.

ClinVar aggregate classification (germline): Uncertain significance (1 of 4 stars; one submission).

Conditions:
Gorlin syndrome. Also called: Nevoid Basal Cell Carcinoma Syndrome; Basal cell nevus syndrome. Identifiers: Orphanet 377, MedGen C0004779, MONDO:0007187.

Submission:

Labcorp Genetics (formerly Invitae), Labcorp
Classification: Uncertain significance for Gorlin syndrome. Last evaluated: 2022-12-07. Review status: criteria provided, single submitter. Criteria: Invitae Variant Classification Sherloc (09022015). Collection method: clinical testing. Allele origin: germline.
Comment: In summary, the available evidence is currently insufficient to determine the role of this variant in disease. Therefore, it has been classified as a Variant of Uncertain Significance. Algorithms developed to predict the effect of missense changes on protein structure and function (SIFT, PolyPhen-2, Align-GVGD) all suggest that this variant is likely to be tolerated. This variant has not been reported in the literature in individuals affected with PTCH1-related conditions. This variant is not present in population databases (gnomAD no frequency). This sequence change replaces glutamine, which is neutral and polar, with lysine, which is basic and polar, at codon 901 of the PTCH1 protein (p.Gln901Lys).